The following is an entry in ClinVar:

ClinVar aggregate classification (germline): Uncertain significance (1 of 4 stars; one submission).

Conditions:
Hereditary cancer-predisposing syndrome. Also called: Neoplastic Syndromes, Hereditary; Tumor predisposition; Hereditary neoplastic syndrome; Hereditary Cancer Syndrome. Identifiers: Orphanet 140162, MedGen C0027672, MeSH D009386, MONDO:0015356.

Submission:

Ambry Genetics
Classification: Uncertain significance for Hereditary cancer-predisposing syndrome. Last evaluated: 2025-10-30. Review status: criteria provided, single submitter. Criteria: Ambry Variant Classification Scheme 2023. Collection method: clinical testing. Allele origin: germline.
Comment: The p.I816L variant (also known as c.2446A>C), located in coding exon 10 of the MET gene, results from an A to C substitution at nucleotide position 2446. The isoleucine at codon 816 is replaced by leucine, an amino acid with highly similar properties. This amino acid position is well conserved in available vertebrate species. In addition, this alteration is predicted to be tolerated by in silico analysis. Based on the available evidence, the clinical significance of this variant remains unclear.

NM_000245.4(MET):c.2392A>C (p.Ile798Leu)

Gene: MET (MET proto-oncogene, receptor tyrosine kinase; plus strand). Cytogenetic location: 7q31.2.
Variant type: single nucleotide variant.
Coding change: c.2392A>C on transcript NM_000245.4 (MANE Select); coding-DNA position 2392, A replaced by C.
Protein change: p.Ile798Leu; replaces isoleucine 798 with leucine.
Molecular consequence: missense variant.
Genome position (GRCh38, 1-based): chr7:116,763,077, A>C. VCF-style: chr7-116763077-A-C. GRCh37 (hg19) VCF-style: chr7-116403131-A-C.
Other names: c.2446A>C, p.Ile816Leu (NM_001127500.3); c.2392A>C, p.Ile798Leu (NM_001324401.3); c.1102A>C, p.Ile368Leu (NM_001324402.2); short protein forms I798L, I368L, I816L.
Identifiers: ClinVar variation 2453389 (VCV002453389.3), dbSNP rs1794459560, ClinGen allele CA368982955.
Genomic context (GRCh38, chr7:116,763,077, plus strand): 5'-CTGTTTACAGTGGATAATTGTGTCTTTCTCTAGGCATGTCAACATCGCTCTAATTCAGAG[A>C]TAATCTGTTGTACCACTCCTTCCCTGCAACAGCTGAATCTGCAACTCCCCCTGAAAACCA-3'
Protein context (NP_000236.2, residues 788-808): VACQHRSNSE[Ile798Leu]ICCTTPSLQQ